The following is an entry in ClinVar:

ClinVar aggregate classification (germline): Likely pathogenic. Review status: criteria provided, multiple submitters, no conflicts (2 of 4 stars). 2 submissions from 2 submitters: Likely pathogenic (2). Last evaluated 2024-03-12.

Conditions:
Arthrogryposis multiplex congenita 6. Identifiers: MedGen C5543431, MONDO:0030281, OMIM 619334.
Nemaline myopathy 2 (NEM2). Also called: Nemaline myopathy 2, autosomal recessive. Identifiers: MedGen C1850569, MONDO:0009725, OMIM 256030.

Submissions (2):

Baylor Genetics
Classification: Likely pathogenic for Arthrogryposis multiplex congenita 6. Last evaluated: 2024-03-12. Review status: criteria provided, single submitter. Criteria: ACMG Guidelines, 2015. Collection method: clinical testing. Allele origin: unknown.

Lifecell International Pvt. Ltd
Classification: Likely pathogenic for Nemaline myopathy 2. Review status: criteria provided, single submitter. Criteria: ACMG Guidelines, 2015. Collection method: clinical testing. Allele origin: germline. Inheritance: Autosomal recessive inheritance. Affected: yes. Observed: 1 compound heterozygote.
Comment: A Heterozygous Nonsense variant c.9441G>A in Exon 67 of the NEB gene that results in the amino acid substitution p.Trp3147* was identified. The observed variant has a maximum allele frequency of 0.00% in gnomAD exomes and genomes, respectively. The severity of the impact of this variant on the protein is high, based on the effect of the protein and REVEL score. Rare Exome Variant Ensemble Learner (REVEL) is an ensembl method for predicting the pathogenicity of missense variants based on a combination of scores from 13 individual tools: MutPred, FATHMM v2.3, VEST 3.0, PolyPhen-2, SIFT, PROVEAN, MutationAssessor, MutationTaster, LRT, GERP++, SiPhy, phyloP, and phastCons. The REVEL score for an individual missense variant can range from 0 to 1, with higher scores reflecting greater likelihood that the variant is disease-causing. Based on the above evidence this variant has been classified as Likely Pathogenic according to the ACMG guidelines.

NM_001164508.2(NEB):c.10170G>A (p.Trp3390Ter)

Gene: NEB (nebulin; minus strand). Cytogenetic location: 2q23.3.
Variant type: single nucleotide variant.
Coding change: c.10170G>A on transcript NM_001164508.2 (MANE Select); coding-DNA position 10170, G replaced by A.
Protein change: p.Trp3390Ter; replaces tryptophan 3390 with a stop codon.
Molecular consequence: nonsense.
Genome position (GRCh38, 1-based): chr2:151,627,179, C>T on the plus strand (G>A on the coding strand, the complement: NEB is on the minus strand). VCF-style: chr2-151627179-C-T. GRCh37 (hg19) VCF-style: chr2-152483693-C-T.
Other names: c.10170G>A, p.Trp3390Ter (NM_001164507.2, NM_001271208.2); c.9441G>A, p.Trp3147Ter (NM_004543.5); short protein forms W3147*, W3390*.
Identifiers: ClinVar variation 2502872 (VCV002502872.3), dbSNP rs1560619891, ClinGen allele CA348793559.
Genomic context (GRCh38, chr2:151,627,179, plus strand): 5'-AGCTCTCTTGCACTTGACCACATCCATAGACCCAATGGGGACCCAGCCAATGCCTCTCAG[C>T]CACTGGAGATCAGATTTGTAAATGTTCTGGAGAGATTAAACACAAAAGCGAGTATTACTG-3'